The following is an entry in ClinVar:

NM_001199138.2(NLRC4):c.1691A>C (p.Glu564Ala)

Gene: NLRC4 (NLR family CARD domain containing 4; minus strand). Cytogenetic location: 2p22.3.
Variant type: single nucleotide variant.
Coding change: c.1691A>C on transcript NM_001199138.2 (MANE Select); coding-DNA position 1691, A replaced by C.
Protein change: p.Glu564Ala; replaces glutamic acid 564 with alanine.
Molecular consequence: missense variant. On other transcripts: intron variant (1).
Genome position (GRCh38, 1-based): chr2:32,250,173, T>G on the plus strand (A>C on the coding strand, the complement: NLRC4 is on the minus strand). VCF-style: chr2-32250173-T-G. GRCh37 (hg19) VCF-style: chr2-32475242-T-G.
Other names: c.1691A>C, p.Glu564Ala (NM_001199139.2, NM_021209.5); c.262+2246A>C (NM_001302504.1); short protein forms E564A.
Identifiers: ClinVar variation 1327219 (VCV001327219.3), dbSNP rs2148942005, ClinGen allele CA346511917.

ClinVar aggregate classification (germline): Uncertain significance (1 of 4 stars; one submission).

Submission:

GeneDx
Classification: Uncertain significance. Last evaluated: 2024-12-24. Review status: criteria provided, single submitter. Criteria: GeneDx Variant Classification Process June 2021. Collection method: clinical testing. Allele origin: germline. Affected: yes.
Comment: Not observed at significant frequency in large population cohorts (gnomAD); In silico analysis indicates that this missense variant does not alter protein structure/function; Has not been previously published as pathogenic or benign to our knowledge; This variant is associated with the following publications: (PMID: 27535533)